The following is an entry in ClinVar:

ClinVar aggregate classification (germline): Uncertain significance (1 of 4 stars; one submission).

Conditions:
Cardiovascular phenotype. Identifiers: MedGen CN230736.

Submission:

Ambry Genetics
Classification: Uncertain significance for Cardiovascular phenotype. Last evaluated: 2020-08-06. Review status: criteria provided, single submitter. Criteria: Ambry Variant Classification Scheme 2023. Collection method: clinical testing. Allele origin: germline.
Comment: The p.K179N variant (also known as c.537A>T), located in coding exon 6 of the TRDN gene, results from an A to T substitution at nucleotide position 537. The lysine at codon 179 is replaced by asparagine, an amino acid with similar properties. This amino acid position is highly conserved in available vertebrate species. In addition, this alteration is predicted to be tolerated by in silico analysis. Since supporting evidence is limited at this time, the clinical significance of this alteration remains unclear.

NM_006073.4(TRDN):c.537A>T (p.Lys179Asn)

Gene: TRDN (triadin; minus strand). Cytogenetic location: 6q22.31.
Variant type: single nucleotide variant.
Coding change: c.537A>T on transcript NM_006073.4 (MANE Select); coding-DNA position 537, A replaced by T.
Protein change: p.Lys179Asn; replaces lysine 179 with asparagine.
Molecular consequence: missense variant.
Genome position (GRCh38, 1-based): chr6:123,516,154, T>A on the plus strand (A>T on the coding strand, the complement: TRDN is on the minus strand). VCF-style: chr6-123516154-T-A. GRCh37 (hg19) VCF-style: chr6-123837299-T-A.
Other names: c.537A>T, p.Lys179Asn (NM_001251987.2, NM_001256020.2, NM_001256021.2 and 1 more transcripts); short protein forms K179N.
Identifiers: ClinVar variation 1747137 (VCV001747137.2), dbSNP rs2534346891, ClinGen allele CA365568195.